The following is an entry in ClinVar:

NM_182961.4(SYNE1):c.393A>C (p.Leu131=)

Gene: SYNE1 (spectrin repeat containing nuclear envelope protein 1; minus strand). Cytogenetic location: 6q25.2.
Variant type: single nucleotide variant.
Coding change: c.393A>C on transcript NM_182961.4 (MANE Select); coding-DNA position 393, A replaced by C.
Protein change: p.Leu131=; no amino-acid change (leucine 131 retained).
Molecular consequence: synonymous variant.
Genome position (GRCh38, 1-based): chr6:152,511,020, T>G on the plus strand (A>C on the coding strand, the complement: SYNE1 is on the minus strand). VCF-style: chr6-152511020-T-G. GRCh37 (hg19) VCF-style: chr6-152832155-T-G.
Other names: c.414A>C, p.Leu138= (NM_033071.5); c.414A>C (NM_033071.3).
Identifiers: ClinVar variation 598716 (VCV000598716.40), dbSNP rs139291592, ClinGen allele CA4059753.

ClinVar aggregate classification (germline): Conflicting classifications of pathogenicity. Review status: criteria provided, conflicting classifications (1 of 4 stars). 4 submissions from 4 submitters: Uncertain significance (2); Likely benign (2). Last evaluated 2025-11-16.

Conditions:
Emery-Dreifuss muscular dystrophy 4, autosomal dominant (EDMD4). Also called: EMERY-DREIFUSS MUSCULAR DYSTROPHY 4 WITH VARIABLE FEATURES. Identifiers: Orphanet 261, MedGen C2751807, MONDO:0013071, OMIM 612998.
Autosomal recessive ataxia, Beauce type. Also called: SYNE1 Deficiency; SYNE1-Related Autosomal Recessive Cerebellar Ataxia; Spinocerebellar ataxia, autosomal recessive 8; ATAXIA, RECESSIVE, OF BEAUCE. Identifiers: Orphanet 88644, MedGen C1853116, MONDO:0012549, OMIM 610743.

Allele frequency attached by ClinVar (database versions not stated): TOPMed 0.00009; 1000 Genomes Project 0.00020; 1000 Genomes Project 30x 0.00031.
gnomAD v4.1: 35 of 1,613,888 alleles (0.0022%); highest among the groups gnomAD compares: Admixed American, 0.013%; no homozygotes.

Submissions (4):

Labcorp Genetics (formerly Invitae), Labcorp
Classification: Likely benign for Emery-Dreifuss muscular dystrophy 4, autosomal dominant; Autosomal recessive ataxia, Beauce type. Last evaluated: 2025-11-16. Review status: criteria provided, single submitter. Criteria: Invitae Variant Classification Sherloc (09022015). Collection method: clinical testing. Allele origin: germline.

CeGaT Center for Human Genetics Tuebingen
Classification: Likely benign. Last evaluated: 2022-05-01. Review status: criteria provided, single submitter. Criteria: CeGaT Center For Human Genetics Tuebingen Variant Classification Criteria Version 2. Collection method: clinical testing. Allele origin: germline. Affected: yes. Observed: 1 variant allele.
Comment: SYNE1: BP4, BP7

Revvity Omics, Revvity
Classification: Uncertain significance. Last evaluated: 2019-05-20. Review status: criteria provided, single submitter. Criteria: ACMG Guidelines, 2015. Collection method: clinical testing. Allele origin: germline.

Eurofins Ntd Llc (ga)
Classification: Uncertain significance. Last evaluated: 2018-09-14. Review status: criteria provided, single submitter. Criteria: EGL ClinVar v180209 classification definitions. Collection method: clinical testing. Allele origin: germline. Observed: 1 variant allele, 1 heterozygote.